The following is an entry in ClinVar:

ClinVar aggregate classification (germline): Uncertain significance (1 of 4 stars; one submission).

Conditions:
Epidermolysis bullosa simplex 5B, with muscular dystrophy (EBS5B). Also called: EPIDERMOLYSIS BULLOSA SIMPLEX AND LIMB-GIRDLE MUSCULAR DYSTROPHY; Epidermolysis bullosa simplex with muscular dystrophy. Identifiers: Orphanet 257, MedGen C2931072, MONDO:0009181, OMIM 226670.
Epidermolysis bullosa simplex, Ogna type (EBS5A). Also called: Pidermolysis bullosa simplex 5A, Ogna type; EPIDERMOLYSIS BULLOSA SIMPLEX 5A, OGNA TYPE. Identifiers: Orphanet 79401, MedGen C0432317, MONDO:0007555, OMIM 131950.
Epidermolysis bullosa simplex 5C, with pyloric atresia (EBS5C). Also called: PLEC-Related Epidermolysis Bullosa with Pyloric Atresia; Epidermolysis bullosa simplex with pyloric atresia; PLEC1-Related Epidermolysis Bullosa with Pyloric Atresia. Identifiers: Orphanet 158684, MedGen C2677349, MONDO:0012807, OMIM 612138.
Autosomal recessive limb-girdle muscular dystrophy type 2Q (LGMDR17). Also called: MUSCULAR DYSTROPHY, LIMB-GIRDLE, AUTOSOMAL RECESSIVE 17. Identifiers: Orphanet 254361, MedGen C3150989, MONDO:0013390, OMIM 613723.
Epidermolysis bullosa simplex with nail dystrophy (EBS5D). Identifiers: MedGen C4225309, MONDO:0014661, OMIM 616487.

gnomAD v4.1: 1 of 1,606,692 alleles (0.000062%); highest among the groups gnomAD compares: Non-Finnish European, 0.000085%; no homozygotes.

Submission:

Labcorp Genetics (formerly Invitae), Labcorp
Classification: Uncertain significance for Autosomal recessive limb-girdle muscular dystrophy type 2Q; Epidermolysis bullosa simplex, Ogna type; Epidermolysis bullosa simplex with nail dystrophy; Epidermolysis bullosa simplex 5C, with pyloric atresia; Epidermolysis bullosa simplex 5B, with muscular dystrophy. Last evaluated: 2024-12-29. Review status: criteria provided, single submitter. Criteria: Invitae Variant Classification Sherloc (09022015). Collection method: clinical testing. Allele origin: germline.
Comment: This sequence change replaces leucine, which is neutral and non-polar, with methionine, which is neutral and non-polar, at codon 2358 of the PLEC protein (p.Leu2358Met). This variant is not present in population databases (gnomAD no frequency). This variant has not been reported in the literature in individuals affected with PLEC-related conditions. ClinVar contains an entry for this variant (Variation ID: 2051328). Invitae Evidence Modeling of protein sequence and biophysical properties (such as structural, functional, and spatial information, amino acid conservation, physicochemical variation, residue mobility, and thermodynamic stability) indicates that this missense variant is not expected to disrupt PLEC protein function with a negative predictive value of 80%. In summary, the available evidence is currently insufficient to determine the role of this variant in disease. Therefore, it has been classified as a Variant of Uncertain Significance.

NM_201384.3(PLEC):c.6991C>A (p.Leu2331Met)

Gene: PLEC (plectin; minus strand). Cytogenetic location: 8q24.3.
Variant type: single nucleotide variant.
Coding change: c.6991C>A on transcript NM_201384.3 (MANE Select); coding-DNA position 6991, C replaced by A.
Protein change: p.Leu2331Met; replaces leucine 2331 with methionine.
Molecular consequence: missense variant.
Genome position (GRCh38, 1-based): chr8:143,922,938, G>T on the plus strand (C>A on the coding strand, the complement: PLEC is on the minus strand). VCF-style: chr8-143922938-G-T. GRCh37 (hg19) VCF-style: chr8-144997106-G-T.
Other names: c.6991C>A, p.Leu2331Met (NM_201382.4); c.7003C>A, p.Leu2335Met (NM_201383.3); c.7072C>A, p.Leu2358Met (NM_000445.5); c.6949C>A, p.Leu2317Met (NM_201378.4); c.6925C>A, p.Leu2309Met (NM_201379.3); c.7402C>A, p.Leu2468Met (NM_201380.4); c.6895C>A, p.Leu2299Met (NM_201381.3); short protein forms L2335M, L2331M, L2468M, L2299M, L2317M, L2309M, L2358M.
Identifiers: ClinVar variation 2051328 (VCV002051328.4), dbSNP rs2131291460, ClinGen allele CA372530866.